The following is an entry in ClinVar:

NM_015100.4(POGZ):c.1910A>C (p.His637Pro)

Gene: POGZ (pogo transposable element derived with ZNF domain; minus strand). Cytogenetic location: 1q21.3.
Variant type: single nucleotide variant.
Coding change: c.1910A>C on transcript NM_015100.4 (MANE Select); coding-DNA position 1910, A replaced by C.
Protein change: p.His637Pro; replaces histidine 637 with proline.
Molecular consequence: missense variant.
Genome position (GRCh38, 1-based): chr1:151,411,641, T>G on the plus strand (A>C on the coding strand, the complement: POGZ is on the minus strand). VCF-style: chr1-151411641-T-G. GRCh37 (hg19) VCF-style: chr1-151384117-T-G.
Other names: c.1883A>C, p.His628Pro (NM_001194937.2); c.1724A>C, p.His575Pro (NM_001194938.2); c.1625A>C, p.His542Pro (NM_145796.4); c.1751A>C, p.His584Pro (NM_207171.2); short protein forms H542P, H575P, H584P, H628P, H637P.
Identifiers: ClinVar variation 1311761 (VCV001311761.2), dbSNP rs1553216421, ClinGen allele CA341962471.

ClinVar aggregate classification (germline): Uncertain significance (1 of 4 stars; one submission).

Submission:

GeneDx
Classification: Uncertain significance. Last evaluated: 2019-09-25. Review status: criteria provided, single submitter. Criteria: GeneDx Variant Classification Process June 2021. Collection method: clinical testing. Allele origin: germline. Affected: yes.
Comment: Not observed in large population cohorts (Lek et al., 2016); In silico analysis, which includes protein predictors and evolutionary conservation, supports a deleterious effect; Has not been previously published as pathogenic or benign to our knowledge